The following is an entry in ClinVar:

NM_130468.4(CHST14):c.507_508delinsTT (p.Ala170Ser)

Gene: CHST14 (carbohydrate sulfotransferase 14; plus strand). Cytogenetic location: 15q15.1.
Variant type: Indel.
Coding change: c.507_508delinsTT on transcript NM_130468.4 (MANE Select); coding-DNA positions 507 to 508, GG replaced by TT.
Protein change: p.Ala170Ser; replaces alanine 170 with serine.
Molecular consequence: missense variant.
Genome position (GRCh38, 1-based): chr15:40,471,720-40,471,721, GG replaced by TT. VCF-style: chr15-40471720-GG-TT. GRCh37 (hg19) VCF-style: chr15-40763919-GG-TT.
Other names: c.507_508delGGinsTT (NM_130468.3); short protein forms A170S.
Identifiers: ClinVar variation 943538 (VCV000943538.13), dbSNP rs1894350607, ClinGen allele CA1139663855.

ClinVar aggregate classification (germline): Conflicting classifications of pathogenicity. Review status: criteria provided, conflicting classifications (1 of 4 stars). 4 submissions from 4 submitters: Uncertain significance (3); Likely benign (1). Last evaluated 2026-03-25.

Conditions:
Cardiovascular phenotype. Identifiers: MedGen CN230736.
Ehlers-Danlos syndrome, musculocontractural type (EDSMC). Also called: Adducted thumb, clubfoot, progressive joint and skin laxity syndrome; DUNDAR SYNDROME; ADDUCTED THUMB-CLUBFOOT SYNDROME; ARTHROGRYPOSIS, DISTAL, WITH PECULIAR FACIES AND HYDRONEPHROSIS. Identifiers: Orphanet 2953, MedGen C1866294, MONDO:0011142.

Submissions (4):

Women's Health and Genetics/Laboratory Corporation of America, LabCorp
Classification: Uncertain significance. Last evaluated: 2026-03-25. Review status: criteria provided, single submitter. Criteria: LabCorp Variant Classification Summary - May 2015. Collection method: clinical testing. Allele origin: germline.
Comment: Variant summary: CHST14 c.507_508delinsTT (p.Ala170Ser) results in a conservative amino acid change in the encoded protein sequence. Algorithms developed to predict the effect of missense changes on protein structure and function all suggest that this variant is likely to be tolerated. The variant was absent in 1613464 control chromosomes. The available data on variant occurrences in the general population are insufficient to allow any conclusion about variant significance. To our knowledge, no occurrence of c.507_508delinsTT in individuals affected with CHST14-related conditions and no experimental evidence demonstrating its impact on protein function have been reported. ClinVar contains an entry for this variant (Variation ID: 943538). Based on the evidence outlined above, the variant was classified as uncertain significance.

Ambry Genetics
Classification: Likely benign for Cardiovascular phenotype. Last evaluated: 2025-05-12. Review status: criteria provided, single submitter. Criteria: Ambry Variant Classification Scheme 2023. Collection method: clinical testing. Allele origin: germline.

Labcorp Genetics (formerly Invitae), Labcorp
Classification: Uncertain significance for Ehlers-Danlos syndrome, musculocontractural type. Last evaluated: 2022-08-01. Review status: criteria provided, single submitter. Criteria: Invitae Variant Classification Sherloc (09022015). Collection method: clinical testing. Allele origin: germline.
Comment: This sequence change replaces alanine, which is neutral and non-polar, with serine, which is neutral and polar, at codon 170 of the CHST14 protein (p.Ala170Ser). Information on the frequency of this variant in the gnomAD database is not available, as this variant may be reported differently in the database. This variant has not been reported in the literature in individuals affected with CHST14-related conditions. ClinVar contains an entry for this variant (Variation ID: 943538). Experimental studies and prediction algorithms are not available or were not evaluated, and the functional significance of this variant is currently unknown. In summary, the available evidence is currently insufficient to determine the role of this variant in disease. Therefore, it has been classified as a Variant of Uncertain Significance.

Mayo Clinic Laboratories, Mayo Clinic
Classification: Uncertain significance. Last evaluated: 2020-06-10. Review status: criteria provided, single submitter. Criteria: ACMG Guidelines, 2015. Collection method: clinical testing. Allele origin: germline. Observed: 1 variant allele.